The following is an entry in ClinVar:

GRCh38/hg38 19q13.2-13.31(chr19:42738643-43237158)x3

Genes: PSG1 (pregnancy specific beta-1-glycoprotein 1; minus strand), PSG11 (pregnancy specific beta-1-glycoprotein 11; minus strand), PSG11-AS1 (PSG11, PSG2 and PSG5 antisense RNA 1; plus strand), PSG2 (pregnancy specific beta-1-glycoprotein 2; minus strand), PSG3 (pregnancy specific beta-1-glycoprotein 3; minus strand) and 7 more. Cytogenetic location: 19q13.2-13.31.
Variant type: copy number gain.
Change: copy number 3 (three copies instead of two) of chr19:42,738,643-43,237,158 (498.5 kb, GRCh38 coordinates, 1-based), cytogenetic band 19q13.2-13.31.
Identifiers: ClinVar variation 161029 (VCV000161029.1).

ClinVar aggregate classification (germline): Benign (1 of 4 stars; one submission).

Submission:

ISCA site 4
Classification: Benign. Last evaluated: 2011-08-12. Review status: criteria provided, single submitter. Criteria: Kaminsky et al. (Genet Med. 2011). Collection method: clinical testing. Allele origin: unknown. Affected: yes. Observed: 1 variant allele.
Comment: Copy number variation identified through the course of routine clinical cytogenomic testing in postnatal populations. Clinical assertions have been curated as described in Kaminsky et al. 2011.